The following is an entry in ClinVar:

NM_020458.4(TTC7A):c.1689G>A (p.Lys563=)

Gene: TTC7A (tetratricopeptide repeat domain 7A; plus strand). Cytogenetic location: 2p21.
Variant type: single nucleotide variant.
Coding change: c.1689G>A on transcript NM_020458.4 (MANE Select); coding-DNA position 1689, G replaced by A.
Protein change: p.Lys563=; no amino-acid change (lysine 563 retained).
Molecular consequence: synonymous variant.
Genome position (GRCh38, 1-based): chr2:47,029,271, G>A. VCF-style: chr2-47029271-G-A. GRCh37 (hg19) VCF-style: chr2-47256410-G-A.
Other names: c.1689G>A (NM_020458.3); c.1689G>A, p.Lys563= (NM_001288951.2); c.1587G>A, p.Lys529= (NM_001288953.2); c.627G>A, p.Lys209= (NM_001288955.2).
Identifiers: ClinVar variation 1149432 (VCV001149432.11), dbSNP rs770191427, ClinGen allele CA1647824.

ClinVar aggregate classification (germline): Likely benign. Review status: criteria provided, multiple submitters, no conflicts (2 of 4 stars). 3 submissions from 3 submitters: Likely benign (3). Last evaluated 2026-01-01.

Conditions:
Multiple gastrointestinal atresias. Also called: FAMILIAL INTESTINAL POLYATRESIA SYNDROME; Multiple intestinal atresia. Identifiers: Orphanet 2300, MedGen C0220744, MONDO:0009465.
TTC7A-related disorder. Also called: TTC7A-related condition.

Allele frequency attached by ClinVar (database versions not stated): gnomAD 0.00001 and 0.00002; gnomAD exomes 0.00014; ExAC 0.00015.
gnomAD v4.1: 110 of 1,613,940 alleles (0.0068%); highest among the groups gnomAD compares: South Asian, 0.089%; 1 homozygote.

Submissions (3):

Labcorp Genetics (formerly Invitae), Labcorp
Classification: Likely benign for Multiple gastrointestinal atresias. Last evaluated: 2026-01-01. Review status: criteria provided, single submitter. Criteria: Invitae Variant Classification Sherloc (09022015). Collection method: clinical testing. Allele origin: germline.

PreventionGenetics, part of Exact Sciences
Classification: Likely benign for TTC7A-related condition. Last evaluated: 2024-12-13. Review status: criteria provided, single submitter. Criteria: ACMG Guidelines, 2015. Collection method: clinical testing. Allele origin: germline.
Comment: This variant is classified as likely benign based on ACMG/AMP sequence variant interpretation guidelines (Richards et al. 2015 PMID: 25741868, with internal and published modifications).

Blueprint Genetics
Classification: Likely benign. Last evaluated: 2024-08-09. Review status: criteria provided, single submitter. Criteria: ACMG Guidelines, 2015. Collection method: clinical testing. Allele origin: germline.